The following is an entry in ClinVar:

ClinVar aggregate classification (germline): Likely benign. Review status: criteria provided, single submitter (1 of 4 stars). 2 submissions from 2 submitters: Likely benign (1). 1 of the submissions does not count toward it. Last evaluated 2025-03-04.

Conditions:
NOTCH2-related disorder. Also called: NOTCH2-related condition.
Hajdu-Cheney syndrome (HJCYS). Also called: ACROOSTEOLYSIS WITH OSTEOPOROSIS AND CHANGES IN SKULL AND MANDIBLE; SERPENTINE FIBULA-POLYCYSTIC KIDNEY SYNDROME; Acroosteolysis dominant type. Identifiers: Orphanet 955, MedGen C0917715, MONDO:0007057, OMIM 102500.

Allele frequency attached by ClinVar (database versions not stated): gnomAD 0.00001; TOPMed 0.00001; ExAC 0.00003; gnomAD exomes 0.00001.
gnomAD v4.1: 19 of 1,614,048 alleles (0.0012%); highest among the groups gnomAD compares: South Asian, 0.0033%; no homozygotes.

Submissions (2):

Labcorp Genetics (formerly Invitae), Labcorp
Classification: Likely benign for Hajdu-Cheney syndrome. Last evaluated: 2025-03-04. Review status: criteria provided, single submitter. Criteria: Invitae Variant Classification Sherloc (09022015). Collection method: clinical testing. Allele origin: germline.

PreventionGenetics, part of Exact Sciences
Classification: Likely benign for NOTCH2-related condition. Last evaluated: 2019-06-03. Review status: no assertion criteria provided. Collection method: clinical testing. Allele origin: germline. Not counted in ClinVar's aggregate classification.
Comment: This variant is classified as likely benign based on ACMG/AMP sequence variant interpretation guidelines (Richards et al. 2015 PMID: 25741868, with internal and published modifications).

NM_024408.4(NOTCH2):c.4959C>T (p.His1653=)

Gene: NOTCH2 (notch receptor 2; minus strand). Cytogenetic location: 1p12.
Variant type: single nucleotide variant.
Coding change: c.4959C>T on transcript NM_024408.4 (MANE Select); coding-DNA position 4959, C replaced by T.
Protein change: p.His1653=; no amino-acid change (histidine 1653 retained).
Molecular consequence: synonymous variant.
Genome position (GRCh38, 1-based): chr1:119,922,679, G>A on the plus strand (C>T on the coding strand, the complement: NOTCH2 is on the minus strand). VCF-style: chr1-119922679-G-A. GRCh37 (hg19) VCF-style: chr1-120465302-G-A.
Other names: c.4959C>T (NM_024408.3).
Identifiers: ClinVar variation 2757235 (VCV002757235.5), dbSNP rs34071598, ClinGen allele CA1039765.